The following is an entry in ClinVar:

NM_000142.5(FGFR3):c.445+2T>G

Gene: FGFR3 (fibroblast growth factor receptor 3; plus strand). Cytogenetic location: 4p16.3.
Variant type: single nucleotide variant.
Coding change: c.445+2T>G on transcript NM_000142.5 (MANE Select); the canonical splice donor site of the intron after coding-DNA position 445, T replaced by G.
Molecular consequence: splice donor variant.
Genome position (GRCh38, 1-based): chr4:1,799,814, T>G. VCF-style: chr4-1799814-T-G. GRCh37 (hg19) VCF-style: chr4-1801541-T-G.
Other names: c.445+2T>G (NM_001163213.2, NM_001354809.2, NM_001354810.2 and 1 more transcripts).
Identifiers: ClinVar variation 3716111 (VCV003716111.2).

ClinVar aggregate classification (germline): Uncertain significance (1 of 4 stars; one submission).

gnomAD v4.1: 3 of 1,612,298 alleles (0.00019%); highest among the groups gnomAD compares: Admixed American, 0.0033%; no homozygotes.

Submission:

Labcorp Genetics (formerly Invitae), Labcorp
Classification: Uncertain significance. Last evaluated: 2025-12-15. Review status: criteria provided, single submitter. Criteria: Invitae Variant Classification Sherloc (09022015). Collection method: clinical testing. Allele origin: germline.
Comment: This sequence change affects a donor splice site in intron 4 of the FGFR3 gene. It is expected to disrupt RNA splicing. Variants that disrupt the donor or acceptor splice site typically lead to a loss of protein function (PMID: 16199547), however the current clinical and genetic evidence is not sufficient to establish whether loss-of-function variants in FGFR3 cause disease. This variant is not present in population databases (gnomAD no frequency). This variant has not been reported in the literature in individuals affected with FGFR3-related conditions. ClinVar contains an entry for this variant (Variation ID: 3716111). Algorithms developed to predict the effect of sequence changes on RNA splicing suggest that this variant may disrupt the consensus splice site. In summary, the available evidence is currently insufficient to determine the role of this variant in disease. Therefore, it has been classified as a Variant of Uncertain Significance.

Literature cited by the submitters: PubMed 16199547.